The following is an entry in ClinVar:

NM_004360.5(CDH1):c.2164+10G>C

Gene: CDH1 (cadherin 1; plus strand). Cytogenetic location: 16q22.1.
Variant type: single nucleotide variant.
Coding change: c.2164+10G>C on transcript NM_004360.5 (MANE Select); 10 bases into the intron after coding-DNA position 2164, G replaced by C.
Molecular consequence: intron variant.
Genome position (GRCh38, 1-based): chr16:68,823,636, G>C. VCF-style: chr16-68823636-G-C. GRCh37 (hg19) VCF-style: chr16-68857539-G-C.
Other names: c.2164+10G>C (LRG_301t1); c.616+10G>C (NM_001317185.2); c.199+10G>C (NM_001317186.2); c.1981+10G>C (NM_001317184.2).
Identifiers: ClinVar variation 215835 (VCV000215835.15), dbSNP rs753911528, ClinGen allele CA338653.

ClinVar aggregate classification (germline): Likely benign. Review status: criteria provided, multiple submitters, no conflicts (2 of 4 stars). 3 submissions from 3 submitters: Likely benign (3). Last evaluated 2025-11-05.

Conditions:
Hereditary cancer-predisposing syndrome. Also called: Tumor predisposition; Hereditary Cancer Syndrome; Neoplastic Syndromes, Hereditary; Hereditary neoplastic syndrome. Identifiers: Orphanet 140162, MedGen C0027672, MeSH D009386, MONDO:0015356.
Hereditary diffuse gastric adenocarcinoma (HDGC). Also called: DIFFUSE GASTRIC AND LOBULAR BREAST CANCER SYNDROME. Identifiers: Orphanet 26106, MedGen C1708349, MONDO:0007648, OMIM 137215.

Allele frequency attached by ClinVar (database versions not stated): TOPMed below 0.00001.
gnomAD v4.1: 1 of 1,570,728 alleles (0.000064%); highest among the groups gnomAD compares: Admixed American, 0.0017%; no homozygotes.

Submissions (3):

Labcorp Genetics (formerly Invitae), Labcorp
Classification: Likely benign for Hereditary diffuse gastric adenocarcinoma. Last evaluated: 2025-11-05. Review status: criteria provided, single submitter. Criteria: Invitae Variant Classification Sherloc (09022015). Collection method: clinical testing. Allele origin: germline.

Myriad Genetics, Inc.
Classification: Likely benign for Hereditary diffuse gastric adenocarcinoma. Last evaluated: 2024-09-20. Review status: criteria provided, single submitter. Criteria: Myriad Autosomal Dominant, Autosomal Recessive and X-Linked Classification Criteria (2023). Collection method: clinical testing. Allele origin: unknown.
Comment: This variant is considered likely benign. This variant is intronic and is not expected to impact mRNA splicing.

Color Diagnostics, LLC DBA Color Health
Classification: Likely benign for Hereditary cancer-predisposing syndrome. Last evaluated: 2017-11-09. Review status: criteria provided, single submitter. Criteria: ACMG Guidelines, 2015. Collection method: clinical testing. Allele origin: germline.